The following is an entry in ClinVar:

ClinVar aggregate classification (germline): Likely benign. Review status: criteria provided, multiple submitters, no conflicts (2 of 4 stars). 2 submissions from 2 submitters: Likely benign (2). Last evaluated 2026-05-27.

Conditions:
Usher syndrome type 3B. Also called: USHER SYNDROME, TYPE IIIB. Identifiers: MedGen C3281066, MONDO:0013788, OMIM 614504.

gnomAD v4.1: 2 of 1,613,914 alleles (0.00012%); no homozygotes.

Submissions (2):

Women's Health and Genetics/Laboratory Corporation of America, LabCorp
Classification: Likely benign. Last evaluated: 2026-05-27. Review status: criteria provided, single submitter. Criteria: LabCorp Variant Classification Summary - May 2015. Collection method: clinical testing. Allele origin: germline.
Comment: Variant summary: HARS1 c.1312-14C>G alters a nucleotide located at a position not widely known to affect splicing. Consensus agreement among computation tools predict no significant impact on normal splicing. However, these predictions have yet to be confirmed by functional studies. The variant allele was found at a frequency of 8e-06 in 251264 control chromosomes. The available data on variant occurrences in the general population are insufficient to allow any conclusion about variant significance. To our knowledge, no occurrence of c.1312-14C>G in individuals affected with HARS1-related conditions and no experimental evidence demonstrating its impact on protein function have been reported. ClinVar contains an entry for this variant (Variation ID: 3706744). Based on the evidence outlined above, the variant was classified as likely benign.

Labcorp Genetics (formerly Invitae), Labcorp
Classification: Likely benign for Usher syndrome type 3B. Last evaluated: 2025-10-29. Review status: criteria provided, single submitter. Criteria: Invitae Variant Classification Sherloc (09022015). Collection method: clinical testing. Allele origin: germline.

NM_002109.6(HARS1):c.1312-14C>G

Gene: HARS1 (histidyl-tRNA synthetase 1; minus strand). Cytogenetic location: 5q31.3.
Variant type: single nucleotide variant.
Coding change: c.1312-14C>G on transcript NM_002109.6 (MANE Select); 14 bases into the intron before coding-DNA position 1312, C replaced by G.
Molecular consequence: intron variant.
Genome position (GRCh38, 1-based): chr5:140,674,839, G>C on the plus strand (C>G on the coding strand, the complement: HARS1 is on the minus strand). VCF-style: chr5-140674839-G-C. GRCh37 (hg19) VCF-style: chr5-140054424-G-C.
Other names: c.1225-14C>G (NM_001289094.2); c.970-14C>G (NM_001289093.2); c.1132-14C>G (NM_001258042.3); c.1192-14C>G (NM_001258040.3); c.1090-14C>G (NM_001289092.2); c.1252-14C>G (NM_001258041.3).
Identifiers: ClinVar variation 3706744 (VCV003706744.3).